The following is an entry in ClinVar:

NM_001001957.2(OR2W3):c.619G>A (p.Val207Met)

Gene: OR2W3 (olfactory receptor family 2 subfamily W member 3; plus strand). Cytogenetic location: 1q44.
Variant type: single nucleotide variant.
Coding change: c.619G>A on transcript NM_001001957.2 (MANE Select); coding-DNA position 619, G replaced by A.
Protein change: p.Val207Met; replaces valine 207 with methionine.
Molecular consequence: missense variant.
Genome position (GRCh38, 1-based): chr1:247,896,205, G>A. VCF-style: chr1-247896205-G-A. GRCh37 (hg19) VCF-style: chr1-248059507-G-A.
Other names: short protein forms V207M.
Identifiers: ClinVar variation 2178611 (VCV002178611.5), dbSNP rs749005002, ClinGen allele CA1498653.
Genomic context (GRCh38, chr1:247,896,205, plus strand): 5'-ATGGCCTGCGTCAGCACTGTGGCCATCGAAGGCACCGTCTTTGTCCTGGCGGTGGGTGTT[G>A]TGCTGTCCCCCTTGGTGTTTATCCTGCTCTCTTACAGCTACATTGTGAGGGCTGTGTTAC-3'
Protein context (NP_001001957.2, residues 197-217): GTVFVLAVGV[Val207Met]LSPLVFILLS

ClinVar aggregate classification (germline): Uncertain significance. Review status: criteria provided, multiple submitters, no conflicts (2 of 4 stars). 2 submissions from 2 submitters: Uncertain significance (2). Last evaluated 2026-01-26.

Allele frequency attached by ClinVar (database versions not stated): gnomAD exomes 0.00002; gnomAD 0.00005; TOPMed 0.00006; ExAC 0.00010.

Submissions (2):

Labcorp Genetics (formerly Invitae), Labcorp
Classification: Uncertain significance. Last evaluated: 2026-01-26. Review status: criteria provided, single submitter. Criteria: Invitae Variant Classification Sherloc (09022015). Collection method: clinical testing. Allele origin: germline.
Comment: This sequence change replaces valine, which is neutral and non-polar, with methionine, which is neutral and non-polar, at codon 207 of the OR2W3 protein (p.Val207Met). This variant is present in population databases (rs749005002, gnomAD 0.1%), and has an allele count higher than expected for a pathogenic variant. This variant has not been reported in the literature in individuals affected with OR2W3-related conditions. ClinVar contains an entry for this variant (Variation ID: 2178611). An algorithm developed to predict the effect of missense changes on protein structure and function (PolyPhen-2) suggests that this variant is likely to be disruptive. In summary, the available evidence is currently insufficient to determine the role of this variant in disease. Therefore, it has been classified as a Variant of Uncertain Significance.

Ambry Genetics
Classification: Uncertain significance. Last evaluated: 2024-05-28. Review status: criteria provided, single submitter. Criteria: Ambry Variant Classification Scheme 2023. Collection method: clinical testing. Allele origin: germline.